The following is an entry in ClinVar:

NM_133259.4(LRPPRC):c.3984T>C (p.Tyr1328=)

Gene: LRPPRC (leucine rich pentatricopeptide repeat containing; minus strand). Cytogenetic location: 2p21.
Variant type: single nucleotide variant.
Coding change: c.3984T>C on transcript NM_133259.4 (MANE Select); coding-DNA position 3984, T replaced by C.
Protein change: p.Tyr1328=; no amino-acid change (tyrosine 1328 retained).
Molecular consequence: synonymous variant.
Genome position (GRCh38, 1-based): chr2:43,894,546, A>G on the plus strand (T>C on the coding strand, the complement: LRPPRC is on the minus strand). VCF-style: chr2-43894546-A-G. GRCh37 (hg19) VCF-style: chr2-44121685-A-G.
Identifiers: ClinVar variation 382719 (VCV000382719.1), dbSNP rs1057521433, ClinGen allele CA16604239.
Genomic context (GRCh38, chr2:43,894,546, plus strand): 5'-GTCACTTAAATAATAAAGCCATTTAAATAAATAATATAGTCAAATTAAACTTATATTACC[A>G]TAGCTTTTCATGAGGGAATTGTATGCTTCTTCCTTTTCATTTAATTCAGGAATCAATTCT-3'
Protein context (NP_573566.2, residues 1318-1338): EEAYNSLMKS[Tyr1328=]VSEKDVTSAK

ClinVar aggregate classification (germline): Likely benign (1 of 4 stars; one submission).

Allele frequency attached by ClinVar (database versions not stated): gnomAD exomes below 0.00001; TOPMed 0.00001.
gnomAD v4.1: 1 of 1,411,326 alleles (0.000071%); highest among the groups gnomAD compares: African/African-American, 0.0014%; no homozygotes.

Submission:

GeneDx
Classification: Likely benign. Last evaluated: 2016-02-05. Review status: criteria provided, single submitter. Criteria: GeneDx Variant Classification (06012015). Collection method: clinical testing. Allele origin: germline. Affected: yes.
Comment: This variant is considered likely benign or benign based on one or more of the following criteria: it is a conservative change, it occurs at a poorly conserved position in the protein, it is predicted to be benign by multiple in silico algorithms, and/or has population frequency not consistent with disease.